The following is an entry in ClinVar:

NM_005732.4(RAD50):c.2057G>C (p.Arg686Thr)

Gene: RAD50 (RAD50 double strand break repair protein; plus strand). Cytogenetic location: 5q31.1.
Variant type: single nucleotide variant.
Coding change: c.2057G>C on transcript NM_005732.4 (MANE Select); coding-DNA position 2057, G replaced by C.
Protein change: p.Arg686Thr; replaces arginine 686 with threonine.
Molecular consequence: missense variant.
Genome position (GRCh38, 1-based): chr5:132,595,660, G>C. VCF-style: chr5-132595660-G-C. GRCh37 (hg19) VCF-style: chr5-131931352-G-C.
Other names: c.2057G>C (NM_005732.3); short protein forms R686T.
Identifiers: ClinVar variation 1494869 (VCV001494869.7), dbSNP rs1171394557, ClinGen allele CA360949677.

ClinVar aggregate classification (germline): Uncertain significance. Review status: criteria provided, multiple submitters, no conflicts (2 of 4 stars). 2 submissions from 2 submitters: Uncertain significance (2). Last evaluated 2025-05-27.

Conditions:
Hereditary cancer-predisposing syndrome. Also called: Tumor predisposition; Hereditary neoplastic syndrome; Neoplastic Syndromes, Hereditary; Hereditary Cancer Syndrome. Identifiers: Orphanet 140162, MedGen C0027672, MeSH D009386, MONDO:0015356.

Allele frequency attached by ClinVar (database versions not stated): gnomAD exomes below 0.00001.
gnomAD v4.1: 3 of 1,614,024 alleles (0.00019%); highest among the groups gnomAD compares: East Asian, 0.0022%; no homozygotes.

Submissions (2):

Ambry Genetics
Classification: Uncertain significance for Hereditary cancer-predisposing syndrome. Last evaluated: 2025-05-27. Review status: criteria provided, single submitter. Criteria: Ambry Variant Classification Scheme 2023. Collection method: clinical testing. Allele origin: germline.
Comment: The p.R686T variant (also known as c.2057G>C), located in coding exon 13 of the RAD50 gene, results from a G to C substitution at nucleotide position 2057. The arginine at codon 686 is replaced by threonine, an amino acid with similar properties. This amino acid position is conserved. In addition, this alteration is predicted to be deleterious by in silico analysis. Based on the available evidence, the clinical significance of this variant remains unclear.

Labcorp Genetics (formerly Invitae), Labcorp
Classification: Uncertain significance for Hereditary cancer-predisposing syndrome. Last evaluated: 2021-08-01. Review status: criteria provided, single submitter. Criteria: Invitae Variant Classification Sherloc (09022015). Collection method: clinical testing. Allele origin: germline.
Comment: This sequence change replaces arginine with threonine at codon 686 of the RAD50 protein (p.Arg686Thr). The arginine residue is highly conserved and there is a moderate physicochemical difference between arginine and threonine. This variant is not present in population databases (ExAC no frequency). This variant has not been reported in the literature in individuals affected with RAD50-related conditions. In summary, the available evidence is currently insufficient to determine the role of this variant in disease. Therefore, it has been classified as a Variant of Uncertain Significance. Algorithms developed to predict the effect of missense changes on protein structure and function are either unavailable or do not agree on the potential impact of this missense change (SIFT: "Deleterious"; PolyPhen-2: "Probably Damaging"; Align-GVGD: "Class C0").